The following is an entry in ClinVar:

NM_033087.4(ALG2):c.599A>C (p.Tyr200Ser)

Gene: ALG2 (ALG2 alpha-1,3/1,6-mannosyltransferase; minus strand). Cytogenetic location: 9q22.33.
Variant type: single nucleotide variant.
Coding change: c.599A>C on transcript NM_033087.4 (MANE Select); coding-DNA position 599, A replaced by C.
Protein change: p.Tyr200Ser; replaces tyrosine 200 with serine.
Molecular consequence: missense variant. On other transcripts: non-coding transcript variant (1).
Genome position (GRCh38, 1-based): chr9:99,218,586, T>G on the plus strand (A>C on the coding strand, the complement: ALG2 is on the minus strand). VCF-style: chr9-99218586-T-G. GRCh37 (hg19) VCF-style: chr9-101980868-T-G.
Other names: short protein forms Y200S.
Identifiers: ClinVar variation 1485584 (VCV001485584.8), dbSNP rs201271253, ClinGen allele CA374228698.

ClinVar aggregate classification (germline): Uncertain significance (1 of 4 stars; one submission).

Conditions:
Congenital disorder of glycosylation, type Ii. Also called: ALG2-CDG; CDG Ii; ALG2-congenital disorder of glycosylation. Identifiers: Orphanet 79326, MedGen C1842836, MONDO:0011933, OMIM 607906.
Congenital myasthenic syndrome 14. Also called: Myasthenic syndrome, congenital, 14, with tubular aggregates. Identifiers: Orphanet 353327, Orphanet 590, MedGen C4015597, MONDO:0014543, OMIM 616228.

gnomAD v4.1: 1 of 1,614,236 alleles (0.000062%); highest among the groups gnomAD compares: Non-Finnish European, 0.000085%; no homozygotes.

Submission:

Labcorp Genetics (formerly Invitae), Labcorp
Classification: Uncertain significance for Congenital disorder of glycosylation, type Ii; Congenital myasthenic syndrome 14. Last evaluated: 2021-06-21. Review status: criteria provided, single submitter. Criteria: Invitae Variant Classification Sherloc (09022015). Collection method: clinical testing. Allele origin: germline.
Comment: This sequence change replaces tyrosine with serine at codon 200 of the ALG2 protein (p.Tyr200Ser). The tyrosine residue is highly conserved and there is a large physicochemical difference between tyrosine and serine. This variant is not present in population databases (ExAC no frequency). This variant has not been reported in the literature in individuals with ALG2-related conditions. Algorithms developed to predict the effect of missense changes on protein structure and function are either unavailable or do not agree on the potential impact of this missense change (SIFT: "Deleterious"; PolyPhen-2: "Benign"; Align-GVGD: "Class C65"). In summary, the available evidence is currently insufficient to determine the role of this variant in disease. Therefore, it has been classified as a Variant of Uncertain Significance.